The following is an entry in ClinVar:

ClinVar aggregate classification (germline): Uncertain significance (1 of 4 stars; one submission).

Allele frequency attached by ClinVar (database versions not stated): gnomAD 0.00001; gnomAD exomes 0.00001; TOPMed 0.00001.
gnomAD v4.1: 11 of 1,551,700 alleles (0.00071%); highest among the groups gnomAD compares: African/African-American, 0.0027%; no homozygotes.

Submission:

Labcorp Genetics (formerly Invitae), Labcorp
Classification: Uncertain significance. Last evaluated: 2024-07-31. Review status: criteria provided, single submitter. Criteria: Invitae Variant Classification Sherloc (09022015). Collection method: clinical testing. Allele origin: germline.
Comment: This sequence change replaces arginine, which is basic and polar, with cysteine, which is neutral and slightly polar, at codon 2583 of the EYS protein (p.Arg2583Cys). This variant is present in population databases (no rsID available, gnomAD 0.002%). This variant has not been reported in the literature in individuals affected with EYS-related conditions. ClinVar contains an entry for this variant (Variation ID: 2161264). Advanced modeling of protein sequence and biophysical properties (such as structural, functional, and spatial information, amino acid conservation, physicochemical variation, residue mobility, and thermodynamic stability) has been performed at Invitae for this missense variant, however the output from this modeling did not meet the statistical confidence thresholds required to predict the impact of this variant on EYS protein function. In summary, the available evidence is currently insufficient to determine the role of this variant in disease. Therefore, it has been classified as a Variant of Uncertain Significance.

NM_001142800.2(EYS):c.7747C>T (p.Arg2583Cys)

Gene: EYS (eyes shut homolog; minus strand). Cytogenetic location: 6q12.
Variant type: single nucleotide variant.
Coding change: c.7747C>T on transcript NM_001142800.2 (MANE Select); coding-DNA position 7747, C replaced by T.
Protein change: p.Arg2583Cys; replaces arginine 2583 with cysteine.
Molecular consequence: missense variant.
Genome position (GRCh38, 1-based): chr6:63,778,157, G>A on the plus strand (C>T on the coding strand, the complement: EYS is on the minus strand). VCF-style: chr6-63778157-G-A. GRCh37 (hg19) VCF-style: chr6-64488050-G-A.
Other names: c.7747C>T, p.Arg2583Cys (NM_001292009.2); short protein forms R2583C.
Identifiers: ClinVar variation 2161264 (VCV002161264.2), dbSNP rs954031480, ClinGen allele CA140242865.